The following is an entry in ClinVar:

NM_001130987.2(DYSF):c.5560T>C (p.Cys1854Arg)

Gene: DYSF (dysferlin; plus strand). Cytogenetic location: 2p13.2.
Variant type: single nucleotide variant.
Coding change: c.5560T>C on transcript NM_001130987.2 (MANE Select); coding-DNA position 5560, T replaced by C.
Protein change: p.Cys1854Arg; replaces cysteine 1854 with arginine.
Molecular consequence: missense variant.
Genome position (GRCh38, 1-based): chr2:71,669,125, T>C. VCF-style: chr2-71669125-T-C. GRCh37 (hg19) VCF-style: chr2-71896255-T-C.
Other names: c.5446T>C, p.Cys1816Arg (NM_001130455.2); c.5401T>C, p.Cys1801Arg (NM_001130976.2); c.5464T>C, p.Cys1822Arg (NM_001130977.2); c.5506T>C, p.Cys1836Arg (NM_001130978.2); c.5536T>C, p.Cys1846Arg (NM_001130979.2); c.5494T>C, p.Cys1832Arg (NM_001130980.2); c.5557T>C, p.Cys1853Arg (NM_001130981.2); c.5539T>C, p.Cys1847Arg (NM_001130982.2); and 5 more; short protein forms C1815R, C1854R, C1801R, C1833R, C1846R, C1847R, C1822R, C1832R.
Identifiers: ClinVar variation 596317 (VCV000596317.10), dbSNP rs1558785198, ClinGen allele CA347222681.

ClinVar aggregate classification (germline): Uncertain significance. Review status: criteria provided, multiple submitters, no conflicts (2 of 4 stars). 3 submissions from 3 submitters: Uncertain significance (3). Last evaluated 2025-05-13.

Conditions:
Neuromuscular disease caused by qualitative or quantitative defects of dysferlin. Also called: Qualitative or quantitative defects of dysferlin; Dysferlinopathy. Identifiers: Orphanet 207073, MedGen C2931687, MONDO:0016145.

Submissions (3):

Labcorp Genetics (formerly Invitae), Labcorp
Classification: Uncertain significance for Neuromuscular disease caused by qualitative or quantitative defects of dysferlin. Last evaluated: 2025-05-13. Review status: criteria provided, single submitter. Criteria: Invitae Variant Classification Sherloc (09022015). Collection method: clinical testing. Allele origin: germline.
Comment: This sequence change replaces cysteine, which is neutral and slightly polar, with arginine, which is basic and polar, at codon 1815 of the DYSF protein (p.Cys1815Arg). This variant is not present in population databases (gnomAD no frequency). This variant has not been reported in the literature in individuals affected with DYSF-related conditions. ClinVar contains an entry for this variant (Variation ID: 596317). Invitae Evidence Modeling of protein sequence and biophysical properties (such as structural, functional, and spatial information, amino acid conservation, physicochemical variation, residue mobility, and thermodynamic stability) has been performed for this missense variant. However, the output from this modeling did not meet the statistical confidence thresholds required to predict the impact of this variant on DYSF protein function. In summary, the available evidence is currently insufficient to determine the role of this variant in disease. Therefore, it has been classified as a Variant of Uncertain Significance.

Revvity Omics, Revvity
Classification: Uncertain significance. Last evaluated: 2025-02-20. Review status: criteria provided, single submitter. Criteria: ACMG Guidelines, 2015. Collection method: clinical testing. Allele origin: germline.

Eurofins Ntd Llc (ga)
Classification: Uncertain significance. Last evaluated: 2018-03-02. Review status: criteria provided, single submitter. Criteria: EGL ClinVar v180209 classification definitions. Collection method: clinical testing. Allele origin: germline. Observed: 1 variant allele, 1 heterozygote.